The following is an entry in ClinVar:

ClinVar aggregate classification (germline): Uncertain significance (1 of 4 stars; one submission).

Conditions:
Fanconi anemia complementation group J. Also called: BRIP1-Related Fanconi Anemia. Identifiers: Orphanet 84, MedGen C1836860, MONDO:0012187, OMIM 609054.
Familial cancer of breast. Also called: BREAST CANCER, FAMILIAL; Hereditary breast cancer; hereditary breast carcinoma. Identifiers: Orphanet 227535, MedGen C0346153, MONDO:0016419, OMIM 114480. Disease mechanism: loss of function.

Submission:

Labcorp Genetics (formerly Invitae), Labcorp
Classification: Uncertain significance for Familial cancer of breast; Fanconi anemia complementation group J. Last evaluated: 2024-09-01. Review status: criteria provided, single submitter. Criteria: Invitae Variant Classification Sherloc (09022015). Collection method: clinical testing. Allele origin: germline.
Comment: This sequence change replaces leucine, which is neutral and non-polar, with proline, which is neutral and non-polar, at codon 422 of the BRIP1 protein (p.Leu422Pro). This variant is not present in population databases (gnomAD no frequency). This variant has not been reported in the literature in individuals affected with BRIP1-related conditions. Invitae Evidence Modeling of protein sequence and biophysical properties (such as structural, functional, and spatial information, amino acid conservation, physicochemical variation, residue mobility, and thermodynamic stability) indicates that this missense variant is expected to disrupt BRIP1 protein function with a positive predictive value of 80%. In summary, the available evidence is currently insufficient to determine the role of this variant in disease. Therefore, it has been classified as a Variant of Uncertain Significance.

NM_032043.3(BRIP1):c.1265T>C (p.Leu422Pro)

Gene: BRIP1 (BRCA1 interacting DNA helicase 1; minus strand). Cytogenetic location: 17q23.2.
Variant type: single nucleotide variant.
Coding change: c.1265T>C on transcript NM_032043.3 (MANE Select); coding-DNA position 1265, T replaced by C.
Protein change: p.Leu422Pro; replaces leucine 422 with proline.
Molecular consequence: missense variant.
Genome position (GRCh38, 1-based): chr17:61,799,175, A>G on the plus strand (T>C on the coding strand, the complement: BRIP1 is on the minus strand). VCF-style: chr17-61799175-A-G. GRCh37 (hg19) VCF-style: chr17-59876536-A-G.
Other names: short protein forms L422P.
Identifiers: ClinVar variation 3757919 (VCV003757919.2).